The following is an entry in ClinVar:

NM_015294.6(TRIM37):c.1411C>T (p.Arg471Ter)

Gene: TRIM37 (tripartite motif containing 37; minus strand). Cytogenetic location: 17q22.
Variant type: single nucleotide variant.
Coding change: c.1411C>T on transcript NM_015294.6 (MANE Select); coding-DNA position 1411, C replaced by T.
Protein change: p.Arg471Ter; replaces arginine 471 with a stop codon.
Molecular consequence: nonsense. On other transcripts: non-coding transcript variant (2).
Genome position (GRCh38, 1-based): chr17:59,049,297, G>A on the plus strand (C>T on the coding strand, the complement: TRIM37 is on the minus strand). VCF-style: chr17-59049297-G-A. GRCh37 (hg19) VCF-style: chr17-57126658-G-A.
Other names: c.1411C>T, p.Arg471Ter (NM_001005207.5, NM_001320988.3, NM_001320989.3 and 1 more transcripts); c.1309C>T, p.Arg437Ter (NM_001320987.3, NM_001353082.2); c.1045C>T, p.Arg349Ter (NM_001320990.3); c.676C>T, p.Arg226Ter (NM_001353083.2); c.949C>T, p.Arg317Ter (NM_001353085.2); c.1360C>T, p.Arg454Ter (NM_001353086.2); short protein forms R471*, R226*, R317*, R454*, R349*, R437*.
Identifiers: ClinVar variation 56565 (VCV000056565.12), dbSNP rs386834001, ClinGen allele CA144368.

ClinVar aggregate classification (germline): Pathogenic/Likely pathogenic. Review status: criteria provided, multiple submitters, no conflicts (2 of 4 stars). 5 submissions from 5 submitters: Pathogenic (3); Likely pathogenic (1). 1 of the submissions does not count toward it. Last evaluated 2024-07-22.

Conditions:
TRIM37-related disorder. Also called: TRIM37-related condition.
Mulibrey nanism syndrome. Also called: MUSCLE-LIVER-BRAIN-EYE NANISM; PERHEENTUPA SYNDROME; PERICARDIAL CONSTRICTION AND GROWTH FAILURE. Identifiers: Orphanet 2576, MedGen C0524582, MONDO:0009664, OMIM 253250.

Allele frequency attached by ClinVar (database versions not stated): gnomAD exomes 0.00001; TOPMed 0.00001.
gnomAD v4.1: 30 of 1,613,962 alleles (0.0019%); highest among the groups gnomAD compares: Admixed American, 0.0033%; no homozygotes.

Submissions (5):

Labcorp Genetics (formerly Invitae), Labcorp
Classification: Pathogenic. Last evaluated: 2024-07-22. Review status: criteria provided, single submitter. Criteria: Invitae Variant Classification Sherloc (09022015). Collection method: clinical testing. Allele origin: germline.
Comment: This sequence change creates a premature translational stop signal (p.Arg471*) in the TRIM37 gene. It is expected to result in an absent or disrupted protein product. Loss-of-function variants in TRIM37 are known to be pathogenic (PMID: 10888877, 15108285). This variant is present in population databases (rs386834001, gnomAD 0.003%). This premature translational stop signal has been observed in individual(s) with TRIM37-related conditions (PMID: 15108285). ClinVar contains an entry for this variant (Variation ID: 56565). For these reasons, this variant has been classified as Pathogenic.

Baylor Genetics
Classification: Pathogenic for Mulibrey nanism syndrome. Last evaluated: 2024-03-24. Review status: criteria provided, single submitter. Criteria: ACMG Guidelines, 2015. Collection method: clinical testing. Allele origin: unknown.

Blueprint Genetics
Classification: Likely pathogenic for TRIM37-related disorders. Last evaluated: 2019-06-05. Review status: criteria provided, single submitter. Criteria: ACMG Guidelines, 2015. Collection method: clinical testing. Allele origin: germline. Affected: yes. Observed: 2 variant alleles.

Eurofins Ntd Llc (ga)
Classification: Pathogenic. Last evaluated: 2018-08-14. Review status: criteria provided, single submitter. Criteria: EGL ClinVar v180209 classification definitions. Collection method: clinical testing. Allele origin: germline. Observed: 1 variant allele, 1 heterozygote.

Juha Muilu Group; Institute for Molecular Medicine Finland (FIMM)
Classification: Likely pathogenic for Mulibrey nanism syndrome. Review status: no assertion criteria provided. Collection method: not provided. Allele origin: unknown. Not counted in ClinVar's aggregate classification.
Comment: FinDis database variant: This variant was not found or characterized by our laboratory, data were collected from public sources: see reference
ClinVar note: Converted during submission from probable-pathogenic to Likely pathogenic.

Literature cited by the submitters: PubMed 10888877 (cited by Labcorp Genetics (formerly Invitae), Labcorp); PubMed 15108285 (cited by Labcorp Genetics (formerly Invitae), Labcorp).